The following is an entry in ClinVar:

NM_001042492.3(NF1):c.7343A>G (p.Glu2448Gly)

Gene: NF1 (neurofibromin 1; plus strand). Cytogenetic location: 17q11.2.
Variant type: single nucleotide variant.
Coding change: c.7343A>G on transcript NM_001042492.3 (MANE Select); coding-DNA position 7343, A replaced by G.
Protein change: p.Glu2448Gly; replaces glutamic acid 2448 with glycine.
Molecular consequence: missense variant.
Genome position (GRCh38, 1-based): chr17:31,350,204, A>G. VCF-style: chr17-31350204-A-G. GRCh37 (hg19) VCF-style: chr17-29677222-A-G.
Other names: c.7280A>G, p.Glu2427Gly (NM_000267.4); short protein forms E2427G, E2448G.
Identifiers: ClinVar variation 2897681 (VCV002897681.3), dbSNP rs1597859599, ClinGen allele CA399016988.

ClinVar aggregate classification (germline): Uncertain significance (1 of 4 stars; one submission).

Conditions:
Neurofibromatosis, type 1 (NF1). Also called: Neurofibromatosis, type I; VON RECKLINGHAUSEN DISEASE; Peripheral type neurofibromatosis; NEUROFIBROMATOSIS, TYPE I, SOMATIC. Identifiers: Orphanet 636, MedGen C0027831, MONDO:0018975, OMIM 162200. Disease mechanism: loss of function.

Submission:

Labcorp Genetics (formerly Invitae), Labcorp
Classification: Uncertain significance for Neurofibromatosis, type 1. Last evaluated: 2023-03-01. Review status: criteria provided, single submitter. Criteria: Invitae Variant Classification Sherloc (09022015). Collection method: clinical testing. Allele origin: germline.
Comment: This sequence change replaces glutamic acid, which is acidic and polar, with glycine, which is neutral and non-polar, at codon 2427 of the NF1 protein (p.Glu2427Gly). This variant is not present in population databases (gnomAD no frequency). In summary, the available evidence is currently insufficient to determine the role of this variant in disease. Therefore, it has been classified as a Variant of Uncertain Significance. Advanced modeling of protein sequence and biophysical properties (such as structural, functional, and spatial information, amino acid conservation, physicochemical variation, residue mobility, and thermodynamic stability) performed at Invitae indicates that this missense variant is expected to disrupt NF1 protein function. This variant has not been reported in the literature in individuals affected with NF1-related conditions.